The following is an entry in ClinVar:

NM_004260.4(RECQL4):c.2552del (p.Pro851fs)

Gene: RECQL4 (RecQ like helicase 4; minus strand). Cytogenetic location: 8q24.3.
Variant type: Deletion.
Coding change: c.2552del on transcript NM_004260.4 (MANE Select); coding-DNA position 2552, one base deleted (C; older notation c.2552delC).
Protein change: p.Pro851fs; shifts the reading frame from proline 851.
Molecular consequence: frameshift variant.
Genome position (GRCh38, 1-based): chr8:144,513,050, G deleted on the plus strand (C on the coding strand, the reverse complement: RECQL4 is on the minus strand); the first of 3 consecutive G bases (chr8:144,513,050-144,513,052); deleting any one gives the same sequence. VCF-style (leftmost placement, unchanged base first): chr8-144513049-TG-T. GRCh37 (hg19) VCF-style: chr8-145738432-TG-T.
Other names: short protein forms P851fs.
Identifiers: ClinVar variation 969215 (VCV000969215.8), dbSNP rs1024114400, ClinGen allele CA187681718.

ClinVar aggregate classification (germline): Pathogenic/Likely pathogenic. Review status: criteria provided, multiple submitters, no conflicts (2 of 4 stars). 2 submissions from 2 submitters: Pathogenic (1); Likely pathogenic (1). Last evaluated 2025-10-20.

Conditions:
Baller-Gerold syndrome (BGS). Also called: CRANIOSYNOSTOSIS WITH RADIAL DEFECTS. Identifiers: Orphanet 1225, MedGen C0265308, MONDO:0009039, OMIM 218600.

Submissions (2):

Labcorp Genetics (formerly Invitae), Labcorp
Classification: Pathogenic for Baller-Gerold syndrome. Last evaluated: 2025-10-20. Review status: criteria provided, single submitter. Criteria: Invitae Variant Classification Sherloc (09022015). Collection method: clinical testing. Allele origin: germline.
Comment: This sequence change creates a premature translational stop signal (p.Pro851Glnfs*97) in the RECQL4 gene. It is expected to result in an absent or disrupted protein product. Loss-of-function variants in RECQL4 are known to be pathogenic (PMID: 12734318, 12952869). The frequency data for this variant in the population databases is considered unreliable, as metrics indicate poor data quality at this position in the gnomAD database. This premature translational stop signal has been observed in individual(s) with Rothmund-Thomson syndrome (PMID: 12734318). This variant is also known as g.4704delC. ClinVar contains an entry for this variant (Variation ID: 969215). For these reasons, this variant has been classified as Pathogenic.

GeneDx
Classification: Likely pathogenic. Last evaluated: 2025-06-12. Review status: criteria provided, single submitter. Criteria: GeneDx Variant Classification Process June 2021. Collection method: clinical testing. Allele origin: germline. Affected: yes.
Comment: Identified without a second RECQL4 variant in a patient with clinical features of Rothmund-Thomson syndrome (PMID: 12734318); Frameshift variant predicted to result in protein truncation or nonsense mediated decay in a gene for which loss of function is a known mechanism of disease; This variant is associated with the following publications: (PMID: 12734318)

Literature cited by the submitters: PubMed 12734318 (cited by Labcorp Genetics (formerly Invitae), Labcorp); PubMed 12952869 (cited by Labcorp Genetics (formerly Invitae), Labcorp).